The following is an entry in ClinVar:

NM_000934.4(SERPINF2):c.815C>T (p.Thr272Met)

Gene: SERPINF2 (serpin family F member 2; plus strand). Cytogenetic location: 17p13.3.
Variant type: single nucleotide variant.
Coding change: c.815C>T on transcript NM_000934.4 (MANE Select); coding-DNA position 815, C replaced by T.
Protein change: p.Thr272Met; replaces threonine 272 with methionine.
Molecular consequence: missense variant.
Genome position (GRCh38, 1-based): chr17:1,748,697, C>T. VCF-style: chr17-1748697-C-T. GRCh37 (hg19) VCF-style: chr17-1651991-C-T.
Other names: c.815C>T, p.Thr272Met (NM_001165920.1); c.623C>T, p.Thr208Met (NM_001165921.2); c.815C>T (NM_000934.3); short protein forms T272M, T208M.
Identifiers: ClinVar variation 808192 (VCV000808192.44), dbSNP rs374422816, ClinGen allele CA8274315.

ClinVar aggregate classification (germline): Conflicting classifications of pathogenicity. Review status: criteria provided, conflicting classifications (1 of 4 stars). 3 submissions from 3 submitters: Uncertain significance (1); Likely benign (1). 1 of the submissions does not count toward it. Last evaluated 2024-11-13.

Conditions:
SERPINF2-related disorder. Also called: SERPINF2-related condition.

Allele frequency attached by ClinVar (database versions not stated): gnomAD 0.00003; gnomAD exomes 0.00070; ExAC 0.00079; 1000 Genomes Project 30x 0.00094; 1000 Genomes Project 0.00120.
gnomAD v4.1: 493 of 1,568,902 alleles (0.031%); highest among the groups gnomAD compares: South Asian, 0.47%; 5 homozygotes.

Submissions (3):

Blueprint Genetics
Classification: Likely benign. Last evaluated: 2024-11-13. Review status: criteria provided, single submitter. Criteria: ACMG Guidelines, 2015. Collection method: clinical testing. Allele origin: germline.

CeGaT Center for Human Genetics Tuebingen
Classification: Uncertain significance. Last evaluated: 2018-10-01. Review status: criteria provided, single submitter. Criteria: CeGaT Center For Human Genetics Tuebingen Variant Classification Criteria Version 2. Collection method: clinical testing. Allele origin: germline. Affected: yes. Observed: 1 variant allele.

PreventionGenetics, part of Exact Sciences
Classification: Likely benign for SERPINF2-related condition. Last evaluated: 2020-01-23. Review status: no assertion criteria provided. Collection method: clinical testing. Allele origin: germline. Not counted in ClinVar's aggregate classification.
Comment: This variant is classified as likely benign based on ACMG/AMP sequence variant interpretation guidelines (Richards et al. 2015 PMID: 25741868, with internal and published modifications).